The following is an entry in ClinVar:

NM_021999.5(ITM2B):c.241C>T (p.Leu81Phe)

Gene: ITM2B (integral membrane protein 2B; plus strand). Cytogenetic location: 13q14.2.
Variant type: single nucleotide variant.
Coding change: c.241C>T on transcript NM_021999.5 (MANE Select); coding-DNA position 241, C replaced by T.
Protein change: p.Leu81Phe; replaces leucine 81 with phenylalanine.
Molecular consequence: missense variant.
Genome position (GRCh38, 1-based): chr13:48,253,931, C>T. VCF-style: chr13-48253931-C-T. GRCh37 (hg19) VCF-style: chr13-48828067-C-T.
Other names: c.241C>T (NM_021999.4); short protein forms L81F.
Identifiers: ClinVar variation 3620140 (VCV003620140.3).

ClinVar aggregate classification (germline): Uncertain significance. Review status: criteria provided, multiple submitters, no conflicts (2 of 4 stars). 2 submissions from 2 submitters: Uncertain significance (2). Last evaluated 2025-10-02.

Conditions:
Inborn genetic diseases. Identifiers: MedGen C0950123, MeSH D030342.

gnomAD v4.1: 3 of 1,610,166 alleles (0.00019%); highest among the groups gnomAD compares: African/African-American, 0.0013%; no homozygotes.

Submissions (2):

Ambry Genetics
Classification: Uncertain significance for Inborn genetic diseases. Last evaluated: 2025-10-02. Review status: criteria provided, single submitter. Criteria: Ambry Variant Classification Scheme 2023. Collection method: clinical testing. Allele origin: germline.

Labcorp Genetics (formerly Invitae), Labcorp
Classification: Uncertain significance. Last evaluated: 2024-04-27. Review status: criteria provided, single submitter. Criteria: Invitae Variant Classification Sherloc (09022015). Collection method: clinical testing. Allele origin: germline.
Comment: This sequence change replaces leucine, which is neutral and non-polar, with phenylalanine, which is neutral and non-polar, at codon 81 of the ITM2B protein (p.Leu81Phe). This variant is not present in population databases (gnomAD no frequency). This variant has not been reported in the literature in individuals affected with ITM2B-related conditions. Advanced modeling of protein sequence and biophysical properties (such as structural, functional, and spatial information, amino acid conservation, physicochemical variation, residue mobility, and thermodynamic stability) performed at Invitae indicates that this missense variant is not expected to disrupt ITM2B protein function with a negative predictive value of 80%. In summary, the available evidence is currently insufficient to determine the role of this variant in disease. Therefore, it has been classified as a Variant of Uncertain Significance.